The following is an entry in ClinVar:

NM_000153.4(GALC):c.909-1G>A

Gene: GALC (galactosylceramidase; minus strand). Cytogenetic location: 14q31.3.
Variant type: single nucleotide variant.
Coding change: c.909-1G>A on transcript NM_000153.4 (MANE Select); the canonical splice acceptor site of the intron before coding-DNA position 909, G replaced by A.
Molecular consequence: splice acceptor variant.
Genome position (GRCh38, 1-based): chr14:87,965,630, C>T on the plus strand (G>A on the coding strand, the complement: GALC is on the minus strand). VCF-style: chr14-87965630-C-T. GRCh37 (hg19) VCF-style: chr14-88431974-C-T.
Other names: c.276-1G>A (NM_001424076.1, NM_001424077.1); c.831-1G>A (NM_001201402.2); c.840-1G>A (NM_001201401.2); c.561-1G>A (NM_001424075.1, NM_001424074.1); c.741-1G>A (NM_001424072.1, NM_001424073.1, NM_001424071.1).
Identifiers: ClinVar variation 4739626 (VCV004739626.1).
Genomic context (GRCh38, chr14:87,965,630, plus strand): 5'-CCGCATCTCCCATAAGGCAACTGTTCATAGTAACTAGCCACTAAATTCCATGCGATTGTG[C>T]TAAAAGATTTGATAAAAAAGAAACACCAAGACAACTTGTGATAAAAATGTAAATGTCTAA-3'

ClinVar aggregate classification (germline): Likely pathogenic (1 of 4 stars; one submission).

Conditions:
Galactosylceramide beta-galactosidase deficiency. Also called: Leukodystrophy, Globoid Cell; GALACTOCEREBROSIDASE DEFICIENCY; GALC DEFICIENCY; GLOBOID CELL LEUKOENCEPHALOPATHY; Krabbe Disease. Identifiers: Orphanet 487, MedGen C0023521, MONDO:0009499, OMIM 245200.

Submission:

Labcorp Genetics (formerly Invitae), Labcorp
Classification: Likely pathogenic for Galactosylceramide beta-galactosidase deficiency. Last evaluated: 2025-12-20. Review status: criteria provided, single submitter. Criteria: Invitae Variant Classification Sherloc (09022015). Collection method: clinical testing. Allele origin: germline.
Comment: This sequence change affects an acceptor splice site in intron 8 of the GALC gene. It is expected to disrupt RNA splicing. Variants that disrupt the donor or acceptor splice site typically lead to a loss of protein function (PMID: 16199547), and loss-of-function variants in GALC are known to be pathogenic (PMID: 7437911, 9272171, 16607461). This variant is not present in population databases (gnomAD no frequency). This variant has not been reported in the literature in individuals affected with GALC-related conditions. Algorithms developed to predict the effect of sequence changes on RNA splicing suggest that this variant may disrupt the consensus splice site. In summary, the currently available evidence indicates that the variant is pathogenic, but additional data are needed to prove that conclusively. Therefore, this variant has been classified as Likely Pathogenic.

Literature cited by the submitters: PubMed 16199547; PubMed 7437911; PubMed 9272171; PubMed 16607461.